The following is an entry in ClinVar:

NM_025114.4(CEP290):c.1611T>C (p.Ile537=)

Gene: CEP290 (centrosomal protein 290; minus strand). Cytogenetic location: 12q21.32.
Variant type: single nucleotide variant.
Coding change: c.1611T>C on transcript NM_025114.4 (MANE Select); coding-DNA position 1611, T replaced by C.
Protein change: p.Ile537=; no amino-acid change (isoleucine 537 retained).
Molecular consequence: synonymous variant.
Genome position (GRCh38, 1-based): chr12:88,118,655, A>G on the plus strand (T>C on the coding strand, the complement: CEP290 is on the minus strand). VCF-style: chr12-88118655-A-G. GRCh37 (hg19) VCF-style: chr12-88512432-A-G.
Other names: c.1611T>C (NM_025114.3).
Identifiers: ClinVar variation 1930039 (VCV001930039.6), dbSNP rs1565897528, ClinGen allele CA481051486.

ClinVar aggregate classification (germline): Likely benign. Review status: criteria provided, multiple submitters, no conflicts (2 of 4 stars). 2 submissions from 2 submitters: Likely benign (2). Last evaluated 2026-07-27.

Conditions:
CEP290-related disorder. Also called: CEP290-related condition; CEP290-related disorders. Identifiers: MedGen CN239314.
Meckel-Gruber syndrome. Also called: DYSENCEPHALIA SPLANCHNOCYSTICA; GRUBER SYNDROME; Dysencephalia splachnocystica. Identifiers: Orphanet 564, MedGen C0265215, MONDO:0018921.
Nephronophthisis. Also called: Juvenile Nephronophthisis. Identifiers: Orphanet 655, MedGen C0687120, MONDO:0019005, HP:0000090.
Joubert syndrome. Also called: Familial aplasia of the vermis; JOUBERT-BOLTSHAUSER SYNDROME. Identifiers: Orphanet 475, MedGen C5979921, MONDO:0018772.

Allele frequency attached by ClinVar (database versions not stated): TOPMed below 0.00001; gnomAD 0.00001.
gnomAD v4.1: 2 of 1,613,300 alleles (0.00012%); highest among the groups gnomAD compares: Non-Finnish European, 0.00017%; no homozygotes.

Submissions (2):

PreventionGenetics, part of Exact Sciences
Classification: Likely benign for CEP290-related condition. Last evaluated: 2026-07-27. Review status: criteria provided, single submitter. Criteria: ACMG Guidelines, 2015. Collection method: clinical testing. Allele origin: germline.
Comment: This variant is classified as likely benign based on ACMG/AMP sequence variant interpretation guidelines (Richards et al. 2015 PMID: 25741868, with internal and published modifications).

Labcorp Genetics (formerly Invitae), Labcorp
Classification: Likely benign for Joubert syndrome; Meckel-Gruber syndrome; Nephronophthisis. Last evaluated: 2023-07-14. Review status: criteria provided, single submitter. Criteria: Invitae Variant Classification Sherloc (09022015). Collection method: clinical testing. Allele origin: germline.